The following is an entry in ClinVar:

ClinVar aggregate classification (germline): Uncertain significance (1 of 4 stars; one submission).

Conditions:
Werner syndrome (WRN). Identifiers: Orphanet 902, MedGen C0043119, MONDO:0010196, OMIM 277700.

Allele frequency attached by ClinVar (database versions not stated): gnomAD exomes below 0.00001; TOPMed below 0.00001.
gnomAD v4.1: 1 of 1,613,764 alleles (0.000062%); highest among the groups gnomAD compares: East Asian, 0.0022%; no homozygotes.

Submission:

Labcorp Genetics (formerly Invitae), Labcorp
Classification: Uncertain significance for Werner syndrome. Last evaluated: 2024-11-11. Review status: criteria provided, single submitter. Criteria: Invitae Variant Classification Sherloc (09022015). Collection method: clinical testing. Allele origin: germline.
Comment: This sequence change replaces lysine, which is basic and polar, with threonine, which is neutral and polar, at codon 135 of the WRN protein (p.Lys135Thr). This variant is not present in population databases (gnomAD no frequency). This variant has not been reported in the literature in individuals affected with WRN-related conditions. ClinVar contains an entry for this variant (Variation ID: 937985). An algorithm developed to predict the effect of missense changes on protein structure and function (PolyPhen-2) suggests that this variant is likely to be disruptive. In summary, the available evidence is currently insufficient to determine the role of this variant in disease. Therefore, it has been classified as a Variant of Uncertain Significance.

NM_000553.6(WRN):c.404A>C (p.Lys135Thr)

Gene: WRN (WRN RecQ like helicase; plus strand). Cytogenetic location: 8p12.
Variant type: single nucleotide variant.
Coding change: c.404A>C on transcript NM_000553.6 (MANE Select); coding-DNA position 404, A replaced by C.
Protein change: p.Lys135Thr; replaces lysine 135 with threonine.
Molecular consequence: missense variant.
Genome position (GRCh38, 1-based): chr8:31,064,963, A>C. VCF-style: chr8-31064963-A-C. GRCh37 (hg19) VCF-style: chr8-30922479-A-C.
Other names: short protein forms K135T.
Identifiers: ClinVar variation 937985 (VCV000937985.6), dbSNP rs1563329896, ClinGen allele CA370914715.